The following is an entry in ClinVar:

ClinVar aggregate classification (germline): Likely pathogenic (1 of 4 stars; one submission).

Conditions:
Diamond-Blackfan anemia 11 (DBA11). Also called: RPL26-Related Diamond-Blackfan Anemia. Identifiers: Orphanet 124, MedGen C3554042, MONDO:0013964, OMIM 614900.

Submission:

Dr. Oladnabi Research Group, Golestan University of Medical Sciences
Classification: Likely pathogenic for Diamond-Blackfan anemia 11. Review status: criteria provided, single submitter. Criteria: ACMG Guidelines, 2015. Collection method: research. Allele origin: germline. Inheritance: Autosomal dominant inheritance. Affected: yes.
Comment: The novel RPL26 variant (c.36_39del, p.Ser12Argfs26, NM_000987.5) is a deletion mutation causing a frameshift that results in a premature stop codon 26 amino acids downstream (p.Ser12Argfs26). This variant is predicted to lead to loss of normal protein function through nonsense-mediated mRNA decay or production of a truncated, nonfunctional protein. According to ACMG guidelines, it is classified as likely pathogenic, supported by PVS1 (Very Strong)—the variant is a null (frameshift) mutation in RPL26, a gene where loss of function is an established disease mechanism—and PM2 (Moderate)—the variant is absent in large population databases such as gnomAD.

Literature cited by the submitters: NCBI Bookshelf NBK7047.

NM_000987.5(RPL26):c.36_39del (p.Ser12fs)

Gene: RPL26 (ribosomal protein L26; minus strand). Cytogenetic location: 17p13.1.
Variant type: Deletion.
Coding change: c.36_39del on transcript NM_000987.5 (MANE Select); coding-DNA positions 36 to 39, 4 bases deleted (CAAG; older notation c.36_39delCAAG).
Protein change: p.Ser12fs; shifts the reading frame from serine 12.
Molecular consequence: frameshift variant.
Genome position (GRCh38, 1-based): chr17:8,382,272-8,382,275, CTTG deleted on the plus strand (CAAG on the coding strand, the reverse complement: RPL26 is on the minus strand); deleting any 4 consecutive bases within chr17:8,382,272-8,382,278 gives the same sequence; the c. name uses the placement nearest the transcript's 3' end. VCF-style (leftmost placement, unchanged base first): chr17-8382271-TCTTG-T. GRCh37 (hg19) VCF-style: chr17-8285589-TCTTG-T.
Other names: c.36_39del, p.Ser12fs (NM_001315530.2, NM_001315531.2); short protein forms S12fs.
Identifiers: ClinVar variation 4072391 (VCV004072391.1).
Genomic context (GRCh38, chr17:8,382,271, plus strand): 5'-GAGGGGAAGACATAATCTTCCTTCGAATGTGGGAAGGTGCATTGAAATGCCTTTTGCGAT[TCTTG>T]CTTCGGTCGGAAGTCACAAAGGGATTAAACTTCATTTTGGCTAAATAAAAAGTTAAAAAG-3'